The following is an entry in ClinVar:

NM_004415.4(DSP):c.4786G>A (p.Glu1596Lys)

Gene: DSP (desmoplakin; plus strand). Cytogenetic location: 6p24.3.
Variant type: single nucleotide variant.
Coding change: c.4786G>A on transcript NM_004415.4 (MANE Select); coding-DNA position 4786, G replaced by A.
Protein change: p.Glu1596Lys; replaces glutamic acid 1596 with lysine.
Molecular consequence: missense variant. On other transcripts: intron variant (2).
Genome position (GRCh38, 1-based): chr6:7,580,976, G>A. VCF-style: chr6-7580976-G-A. GRCh37 (hg19) VCF-style: chr6-7581209-G-A.
Other names: c.4050+736G>A (NM_001319034.2); c.3582+1204G>A (NM_001008844.3); short protein forms E1596K.
Identifiers: ClinVar variation 2938279 (VCV002938279.3), dbSNP rs2533930320, ClinGen allele CA362687152.

ClinVar aggregate classification (germline): Uncertain significance (1 of 4 stars; one submission).

Conditions:
Arrhythmogenic right ventricular dysplasia 8 (ARVD8). Also called: Arrhythmogenic Right Ventricular Dysplasia/Cardiomyopathy 8; ARRHYTHMOGENIC RIGHT VENTRICULAR DYSPLASIA, FAMILIAL, 8; ARRHYTHMOGENIC RIGHT VENTRICULAR CARDIOMYOPATHY 8. Identifiers: MedGen C1843896, MONDO:0011831, OMIM 607450.
Arrhythmogenic cardiomyopathy with wooly hair and keratoderma. Also called: PALMOPLANTAR KERATODERMA WITH LEFT VENTRICULAR CARDIOMYOPATHY AND WOOLLY HAIR; Carvajal syndrome; Dilated cardiomyopathy with woolly hair and keratoderma; Arrhythmogenic cardiomyopathy with woolly hair and keratoderma. Identifiers: Orphanet 65282, MedGen C1854063, MONDO:0011581, OMIM 605676.

Submission:

Labcorp Genetics (formerly Invitae), Labcorp
Classification: Uncertain significance for Arrhythmogenic cardiomyopathy with wooly hair and keratoderma; Arrhythmogenic right ventricular dysplasia 8. Last evaluated: 2024-01-30. Review status: criteria provided, single submitter. Criteria: Invitae Variant Classification Sherloc (09022015). Collection method: clinical testing. Allele origin: germline.
Comment: This sequence change replaces glutamic acid, which is acidic and polar, with lysine, which is basic and polar, at codon 1596 of the DSP protein (p.Glu1596Lys). This variant is not present in population databases (gnomAD no frequency). This variant has not been reported in the literature in individuals affected with DSP-related conditions. An algorithm developed to predict the effect of missense changes on protein structure and function (PolyPhen-2) suggests that this variant is likely to be tolerated. In summary, the available evidence is currently insufficient to determine the role of this variant in disease. Therefore, it has been classified as a Variant of Uncertain Significance.